The following is an entry in ClinVar:

NM_001267550.2(TTN):c.60484G>A (p.Val20162Ile)

Genes: TTN (titin; minus strand), TTN-AS1 (TTN antisense RNA 1; plus strand). Cytogenetic location: 2q31.2.
Variant type: single nucleotide variant.
Coding change: c.60484G>A on transcript NM_001267550.2 (MANE Select); coding-DNA position 60484, G replaced by A.
Protein change: p.Val20162Ile; replaces valine 20162 with isoleucine.
Molecular consequence: missense variant. On other transcripts: non-coding transcript variant (1).
Genome position (GRCh38, 1-based): chr2:178,591,241, C>T on the plus strand (G>A on the coding strand, the complement: TTN is on the minus strand). VCF-style: chr2-178591241-C-T. GRCh37 (hg19) VCF-style: chr2-179455968-C-T.
Other names: c.55561G>A, p.Val18521Ile (NM_001256850.1); c.33289G>A, p.Val11097Ile (NM_003319.4); c.52780G>A, p.Val17594Ile (NM_133378.4); c.33664G>A, p.Val11222Ile (NM_133432.3); c.33865G>A, p.Val11289Ile (NM_133437.4); short protein forms V11222I, V11289I, V20162I, V11097I, V18521I, V17594I.
Identifiers: ClinVar variation 1730268 (VCV001730268.3), dbSNP rs371574493, ClinGen allele CA1992484.

ClinVar aggregate classification (germline): Uncertain significance. Review status: criteria provided, multiple submitters, no conflicts (2 of 4 stars). 2 submissions from 2 submitters: Uncertain significance (2). Last evaluated 2024-04-01.

Conditions:
Cardiovascular phenotype. Identifiers: MedGen CN230736.

Allele frequency attached by ClinVar (database versions not stated): gnomAD exomes below 0.00001; TOPMed below 0.00001; ExAC 0.00001; ESP Exome Variant Server 0.00008.
gnomAD v4.1: 2 of 1,613,380 alleles (0.00012%); highest among the groups gnomAD compares: Non-Finnish European, 0.00017%; no homozygotes.

Submissions (2):

Revvity Omics, Revvity
Classification: Uncertain significance. Last evaluated: 2024-04-01. Review status: criteria provided, single submitter. Criteria: ACMG Guidelines, 2015. Collection method: clinical testing. Allele origin: germline.

Ambry Genetics
Classification: Uncertain significance for Cardiovascular phenotype. Last evaluated: 2020-03-26. Review status: criteria provided, single submitter. Criteria: Ambry Variant Classification Scheme 2023. Collection method: clinical testing. Allele origin: germline.
Comment: The p.V11097I variant (also known as c.33289G>A), located in coding exon 131 of the TTN gene, results from a G to A substitution at nucleotide position 33289. The valine at codon 11097 is replaced by isoleucine, an amino acid with highly similar properties. This amino acid position is highly conserved in available vertebrate species. In addition, this alteration is predicted to be tolerated by in silico analysis. Since supporting evidence is limited at this time, the clinical significance of this alteration remains unclear.